The following is an entry in ClinVar:

NM_000552.5(VWF):c.813C>T (p.Tyr271=)

Gene: VWF (von Willebrand factor; minus strand). Cytogenetic location: 12p13.31.
Variant type: single nucleotide variant.
Coding change: c.813C>T on transcript NM_000552.5 (MANE Select); coding-DNA position 813, C replaced by T.
Protein change: p.Tyr271=; no amino-acid change (tyrosine 271 retained).
Molecular consequence: synonymous variant.
Genome position (GRCh38, 1-based): chr12:6,075,396, G>A on the plus strand (C>T on the coding strand, the complement: VWF is on the minus strand). VCF-style: chr12-6075396-G-A. GRCh37 (hg19) VCF-style: chr12-6184562-G-A.
Identifiers: ClinVar variation 3054783 (VCV003054783.3), dbSNP rs750697933, ClinGen allele CA6403684.

ClinVar aggregate classification (germline): Likely benign. Review status: criteria provided, single submitter (1 of 4 stars). 2 submissions from 2 submitters: Likely benign (1). 1 of the submissions does not count toward it. Last evaluated 2023-09-16.

Conditions:
VWF-related disorder. Also called: VWF-related condition; VWF-related disorders.

Allele frequency attached by ClinVar (database versions not stated): ExAC 0.00002; TOPMed 0.00002; gnomAD 0.00003.
gnomAD v4.1: 27 of 1,613,940 alleles (0.0017%); highest among the groups gnomAD compares: Middle Eastern, 0.016%; no homozygotes.

Submissions (2):

Blueprint Genetics
Classification: Likely benign. Last evaluated: 2023-09-16. Review status: criteria provided, single submitter. Criteria: ACMG Guidelines, 2015. Collection method: clinical testing. Allele origin: germline.

PreventionGenetics, part of Exact Sciences
Classification: Likely benign for VWF-related condition. Last evaluated: 2020-05-11. Review status: no assertion criteria provided. Collection method: clinical testing. Allele origin: germline. Not counted in ClinVar's aggregate classification.
Comment: This variant is classified as likely benign based on ACMG/AMP sequence variant interpretation guidelines (Richards et al. 2015 PMID: 25741868, with internal and published modifications).